The following is an entry in ClinVar:

NM_001369.3(DNAH5):c.750_753delinsTG (p.Leu250fs)

Gene: DNAH5 (dynein axonemal heavy chain 5; minus strand). Cytogenetic location: 5p15.2.
Variant type: Indel.
Coding change: c.750_753delinsTG on transcript NM_001369.3 (MANE Select); coding-DNA positions 750 to 753, GGGA replaced by TG.
Protein change: p.Leu250fs; shifts the reading frame from leucine 250.
Molecular consequence: frameshift variant.
Genome position (GRCh38, 1-based): chr5:13,920,525-13,920,528, TCCC replaced by CA on the plus strand (GGGA replaced by TG on the coding strand, the reverse complement: DNAH5 is on the minus strand). VCF-style: chr5-13920525-TCCC-CA. GRCh37 (hg19) VCF-style: chr5-13920634-TCCC-CA.
Other names: short protein forms L250fs.
Identifiers: ClinVar variation 1724102 (VCV001724102.2), dbSNP rs2547148963, ClinGen allele CA2580072110.

ClinVar aggregate classification (germline): Likely pathogenic (1 of 4 stars; one submission).

Conditions:
Primary ciliary dyskinesia 3. Identifiers: Orphanet 244, MedGen C1837618, MONDO:0012085, OMIM 608644.

Submission:

Myriad Genetics, Inc.
Classification: Likely pathogenic for Primary ciliary dyskinesia 3. Last evaluated: 2022-01-25. Review status: criteria provided, single submitter. Criteria: Myriad Women's Health Autosomal Recessive and X-Linked Classification Criteria (2021). Collection method: clinical testing. Allele origin: unknown.
Comment: NM_001369.2(DNAH5):c.750_753delGGGAinsTG(L250Ffs*20) is expected to be pathogenic in the context of DNAH5-related primary ciliary dyskinesia. This variant is predicted to lead to an abnormal or absent protein product due to the creation of a premature termination codon in DNAH5, a gene where loss-of-function variants are known to be pathogenic. Please note: this variant was assessed in the context of healthy population screening.